The following is an entry in ClinVar:

NM_020964.3(EPG5):c.240G>A (p.Met80Ile)

Gene: EPG5 (ectopic P-granules 5 autophagy tethering factor; minus strand). Cytogenetic location: 18q21.1.
Variant type: single nucleotide variant.
Coding change: c.240G>A on transcript NM_020964.3 (MANE Select); coding-DNA position 240, G replaced by A.
Protein change: p.Met80Ile; replaces methionine 80 with isoleucine.
Molecular consequence: missense variant.
Genome position (GRCh38, 1-based): chr18:45,955,162, C>T on the plus strand (G>A on the coding strand, the complement: EPG5 is on the minus strand). VCF-style: chr18-45955162-C-T. GRCh37 (hg19) VCF-style: chr18-43535128-C-T.
Other names: short protein forms M80I.
Identifiers: ClinVar variation 1523829 (VCV001523829.7), dbSNP rs1410991160, ClinGen allele CA402352152.

ClinVar aggregate classification (germline): Uncertain significance (1 of 4 stars; one submission).

Conditions:
Vici syndrome (VICIS). Identifiers: Orphanet 1493, MedGen C1855772, MONDO:0009452, OMIM 242840.

Submission:

Labcorp Genetics (formerly Invitae), Labcorp
Classification: Uncertain significance for Vici syndrome. Last evaluated: 2024-02-20. Review status: criteria provided, single submitter. Criteria: Invitae Variant Classification Sherloc (09022015). Collection method: clinical testing. Allele origin: germline.
Comment: This sequence change replaces methionine, which is neutral and non-polar, with isoleucine, which is neutral and non-polar, at codon 80 of the EPG5 protein (p.Met80Ile). This variant is not present in population databases (gnomAD no frequency). This variant has not been reported in the literature in individuals affected with EPG5-related conditions. ClinVar contains an entry for this variant (Variation ID: 1523829). An algorithm developed to predict the effect of missense changes on protein structure and function (PolyPhen-2) suggests that this variant is likely to be tolerated. In summary, the available evidence is currently insufficient to determine the role of this variant in disease. Therefore, it has been classified as a Variant of Uncertain Significance.